The following is an entry in ClinVar:

ClinVar aggregate classification (germline): Uncertain significance (1 of 4 stars; one submission).

Conditions:
Familial adenomatous polyposis 1 (FAP1). Also called: FAMILIAL ADENOMATOUS POLYPOSIS 1, ATTENUATED; POLYPOSIS, ADENOMATOUS INTESTINAL. Identifiers: MedGen C2713442, MONDO:0021056, OMIM 175100. Disease mechanism: loss of function.

Submission:

Labcorp Genetics (formerly Invitae), Labcorp
Classification: Uncertain significance for Familial adenomatous polyposis 1. Last evaluated: 2024-03-13. Review status: criteria provided, single submitter. Criteria: Invitae Variant Classification Sherloc (09022015). Collection method: clinical testing. Allele origin: germline.
Comment: This sequence change replaces valine, which is neutral and non-polar, with alanine, which is neutral and non-polar, at codon 1520 of the APC protein (p.Val1520Ala). This variant is not present in population databases (gnomAD no frequency). This variant has not been reported in the literature in individuals affected with APC-related conditions. Advanced modeling of protein sequence and biophysical properties (such as structural, functional, and spatial information, amino acid conservation, physicochemical variation, residue mobility, and thermodynamic stability) performed at Invitae indicates that this missense variant is not expected to disrupt APC protein function with a negative predictive value of 95%. In summary, the available evidence is currently insufficient to determine the role of this variant in disease. Therefore, it has been classified as a Variant of Uncertain Significance.

NM_000038.6(APC):c.4559T>C (p.Val1520Ala)

Gene: APC (APC regulator of Wnt signaling pathway; plus strand). Cytogenetic location: 5q22.2.
Variant type: single nucleotide variant.
Coding change: c.4559T>C on transcript NM_000038.6 (MANE Select); coding-DNA position 4559, T replaced by C.
Protein change: p.Val1520Ala; replaces valine 1520 with alanine.
Molecular consequence: missense variant. On other transcripts: non-coding transcript variant (2).
Genome position (GRCh38, 1-based): chr5:112,840,153, T>C. VCF-style: chr5-112840153-T-C. GRCh37 (hg19) VCF-style: chr5-112175850-T-C.
Other names: c.4559T>C, p.Val1520Ala (NM_001127510.3, NM_001354895.2, NM_001407450.1); c.4505T>C, p.Val1502Ala (NM_001127511.3); c.4613T>C, p.Val1538Ala (NM_001354896.2, NM_001407447.1, NM_001407448.1 and 1 more transcripts); c.4589T>C, p.Val1530Ala (NM_001354897.2); c.4484T>C, p.Val1495Ala (NM_001354898.2); c.4475T>C, p.Val1492Ala (NM_001354899.2); c.4436T>C, p.Val1479Ala (NM_001354900.2); c.4382T>C, p.Val1461Ala (NM_001354901.2, NM_001407453.1); and 11 more; short protein forms V1360A, V1391A, V1437A, V1520A, V1237A, V1510A, V1538A, V1548A.
Identifiers: ClinVar variation 3635469 (VCV003635469.2).